The following is an entry in ClinVar:

NC_012920.1(MT-ND6):m.14596A>T

Gene: MT-ND6 (mitochondrially encoded NADH dehydrogenase 6; minus strand).
Variant type: single nucleotide variant.
Genome position: chrM-14596-A-T.
Identifiers: ClinVar variation 9690 (VCV000009690.4), dbSNP rs387906424, ClinGen allele CA120626.

ClinVar aggregate classification (germline): Uncertain significance. Review status: reviewed by expert panel (3 of 4 stars). 3 submissions from 3 submitters: Uncertain significance (1). 2 of the submissions do not count toward it. Last evaluated 2023-08-14.

Conditions:
Mitochondrial disease. Also called: Mitochondrial disorder; Mitochondrial disorders. Identifiers: Orphanet 68380, MedGen C0751651, MeSH D028361, MONDO:0044970.
Leber optic atrophy (LHON). Also called: Optic Atrophy, Hereditary, Leber; Leber hereditary optic neuropathy; Leber's disease; Leber's optic atrophy. Identifiers: Orphanet 104, MedGen C0917796, MONDO:0010788, OMIM 535000, HP:0001112.
Leber optic atrophy and dystonia. Also called: MARSDEN SYNDROME; LHON and dystonia; Dystonia familial, with visual failure and striatal lucencies; Leber's hereditary optic neuropathy with dystonia. Identifiers: Orphanet 99718, MedGen C1839040, MONDO:0010772, OMIM 500001.

Submissions (3):

ClinGen Mitochondrial Disease Nuclear and Mitochondrial  Variant Curation Expert Panel, ClinGen
Classification: Uncertain significance for Mitochondrial disease. Last evaluated: 2023-08-14. Review status: reviewed by expert panel. Criteria: clingen mito disease acmg specifications v1-1. Collection method: curation. Allele origin: germline. Inheritance: Mitochondrial inheritance.
Comment: The m.14596A>T (p.I26M) variant in MT-ND6 has been reported in one family with primary mitochondrial disease to date (PMID: 8644732). Affected individuals had clinical features consistent with Leber Hereditary Optic Neuropathy (LHON) and/or spastic dystonia. Of note, another variant was seen in this family (m. 11696G>A), however this is present in healthy population databases and likely haplogroup-associated. The m.14596A>T variant was present at homoplasmy in affected individuals. As all tested individuals were homoplasmic for the variant, segregation evidence could not be considered. There are no additional families reported with de novo occurrences to our knowledge. This variant is absent in the GenBank dataset, Helix dataset, and gnomAD v3.1.2 (PM2_supporting). The computation predictor APOGEE predicts this variant to be deleterious (score 0.95 in APOGEE1 and 0.86 in APOGEE2; PP3). There are no cybrids, single fiber studies, or other functional assays reported on this variant. In summary, this variant meets criteria to be classified as uncertain significance for primary mitochondrial disease inherited in a mitochondrial manner. This classification was approved by the NICHD/NINDS U24 ClinGen Mitochondrial Disease Variant Curation Expert Panel on August 14, 2023. Mitochondrial DNA-specific ACMG/AMP criteria applied (PMID: 32906214): PM2_supporting, PP3.

OMIM
Classification: Pathogenic for LEBER OPTIC ATROPHY AND DYSTONIA. Last evaluated: 1996-04-01. Review status: no assertion criteria provided. Collection method: literature only. Allele origin: germline. Not counted in ClinVar's aggregate classification.

GeneReviews
No classification provided. Condition: Leber optic atrophy. Review status: no classification provided. Collection method: literature only. Allele origin: maternal. Not counted in ClinVar's aggregate classification.

Literature cited by the submitters: PubMed 8644732 (cited by OMIM); PubMed 30143805 (cited by GeneReviews); PubMed 20301353 (cited by GeneReviews).